The following is an entry in ClinVar:

NM_001377.3(DYNC2H1):c.7541-187T>C

Gene: DYNC2H1 (dynein cytoplasmic 2 heavy chain 1; plus strand). Cytogenetic location: 11q22.3.
Variant type: single nucleotide variant.
Coding change: c.7541-187T>C on transcript NM_001377.3 (MANE Select); 187 bases into the intron before coding-DNA position 7541, T replaced by C.
Molecular consequence: intron variant.
Genome position (GRCh38, 1-based): chr11:103,191,910, T>C. VCF-style: chr11-103191910-T-C. GRCh37 (hg19) VCF-style: chr11-103062639-T-C.
Other names: c.7541-187T>C (NM_001080463.2).
Identifiers: ClinVar variation 669449 (VCV000669449.1), dbSNP rs72989770, ClinGen allele CA227406460.

ClinVar aggregate classification (germline): Benign (1 of 4 stars; one submission).

Allele frequency attached by ClinVar (database versions not stated): 1000 Genomes Project 0.03335; 1000 Genomes Project 30x 0.03498; gnomAD 0.04828 and 0.04930; TOPMed 0.05092.
gnomAD v4.1: 7,552 of 152,208 alleles (5%); highest among the groups gnomAD compares: Non-Finnish European, 7.1%; 254 homozygotes.

Submission:

GeneDx
Classification: Benign. Last evaluated: 2018-06-19. Review status: criteria provided, single submitter. Criteria: GeneDx Variant Classification (06012015). Collection method: clinical testing. Allele origin: germline. Affected: yes.
Comment: This variant is considered likely benign or benign based on one or more of the following criteria: it is a conservative change, it occurs at a poorly conserved position in the protein, it is predicted to be benign by multiple in silico algorithms, and/or has population frequency not consistent with disease.